The following is an entry in ClinVar:

NM_177438.3(DICER1):c.785A>G (p.Asp262Gly)

Gene: DICER1 (dicer 1, ribonuclease III; minus strand). Cytogenetic location: 14q32.13.
Variant type: single nucleotide variant.
Coding change: c.785A>G on transcript NM_177438.3 (MANE Select); coding-DNA position 785, A replaced by G.
Protein change: p.Asp262Gly; replaces aspartic acid 262 with glycine.
Molecular consequence: missense variant.
Genome position (GRCh38, 1-based): chr14:95,126,698, T>C on the plus strand (A>G on the coding strand, the complement: DICER1 is on the minus strand). VCF-style: chr14-95126698-T-C. GRCh37 (hg19) VCF-style: chr14-95593035-T-C.
Other names: c.785A>G, p.Asp262Gly (NM_001195573.1, NM_001271282.3, NM_001291628.2 and 1 more transcripts); short protein forms D262G.
Identifiers: ClinVar variation 855549 (VCV000855549.10), dbSNP rs1893491063, ClinGen allele CA390887788.

ClinVar aggregate classification (germline): Uncertain significance. Review status: criteria provided, multiple submitters, no conflicts (2 of 4 stars). 2 submissions from 2 submitters: Uncertain significance (2). Last evaluated 2025-05-10.

Conditions:
Hereditary cancer-predisposing syndrome. Also called: Hereditary neoplastic syndrome; Tumor predisposition; Neoplastic Syndromes, Hereditary; Hereditary Cancer Syndrome. Identifiers: Orphanet 140162, MedGen C0027672, MeSH D009386, MONDO:0015356.
DICER1-related tumor predisposition. Also called: DICER1 syndrome; DICER1-related pleuropulmonary blastoma cancer predisposition syndrome. Identifiers: Orphanet 284343, MedGen C3839822, MONDO:0100216.

Allele frequency attached by ClinVar (database versions not stated): TOPMed below 0.00001.

Submissions (2):

Ambry Genetics
Classification: Uncertain significance for Hereditary cancer-predisposing syndrome. Last evaluated: 2025-05-10. Review status: criteria provided, single submitter. Criteria: Ambry Variant Classification Scheme 2023. Collection method: clinical testing. Allele origin: germline.
Comment: The p.D262G variant (also known as c.785A>G), located in coding exon 6 of the DICER1 gene, results from an A to G substitution at nucleotide position 785. The aspartic acid at codon 262 is replaced by glycine, an amino acid with similar properties. This amino acid position is conserved. In addition, this alteration is predicted to be deleterious by in silico analysis. Based on the available evidence, the clinical significance of this variant remains unclear.

Labcorp Genetics (formerly Invitae), Labcorp
Classification: Uncertain significance for DICER1-related tumor predisposition. Last evaluated: 2022-07-12. Review status: criteria provided, single submitter. Criteria: Invitae Variant Classification Sherloc (09022015). Collection method: clinical testing. Allele origin: germline.
Comment: This variant has not been reported in the literature in individuals affected with DICER1-related conditions. This variant is not present in population databases (gnomAD no frequency). This sequence change replaces aspartic acid, which is acidic and polar, with glycine, which is neutral and non-polar, at codon 262 of the DICER1 protein (p.Asp262Gly). ClinVar contains an entry for this variant (Variation ID: 855549). In summary, the available evidence is currently insufficient to determine the role of this variant in disease. Therefore, it has been classified as a Variant of Uncertain Significance. Algorithms developed to predict the effect of missense changes on protein structure and function are either unavailable or do not agree on the potential impact of this missense change (SIFT: "Deleterious"; PolyPhen-2: "Probably Damaging"; Align-GVGD: "Class C15").